The following is an entry in ClinVar:

ClinVar aggregate classification (germline): Uncertain significance. Review status: criteria provided, multiple submitters, no conflicts (2 of 4 stars). 2 submissions from 2 submitters: Uncertain significance (2). Last evaluated 2023-12-04.

Submissions (2):

GeneDx
Classification: Uncertain significance. Last evaluated: 2023-12-04. Review status: criteria provided, single submitter. Criteria: GeneDx Variant Classification Process June 2021. Collection method: clinical testing. Allele origin: germline. Affected: yes.
Comment: Not observed at significant frequency in large population cohorts (gnomAD); In silico analysis supports that this missense variant has a deleterious effect on protein structure/function; Has not been previously published as pathogenic or benign to our knowledge

Eurofins Ntd Llc (ga)
Classification: Uncertain significance. Last evaluated: 2018-07-24. Review status: criteria provided, single submitter. Criteria: EGL ClinVar v180209 classification definitions. Collection method: clinical testing. Allele origin: germline. Observed: 1 variant allele, 1 heterozygote.

NM_021830.5(TWNK):c.1535A>C (p.His512Pro)

Gene: TWNK (twinkle mtDNA helicase; plus strand). Cytogenetic location: 10q24.31.
Variant type: single nucleotide variant.
Coding change: c.1535A>C on transcript NM_021830.5 (MANE Select); coding-DNA position 1535, A replaced by C.
Protein change: p.His512Pro; replaces histidine 512 with proline.
Molecular consequence: missense variant. On other transcripts: non-coding transcript variant (5).
Genome position (GRCh38, 1-based): chr10:100,990,486, A>C. VCF-style: chr10-100990486-A-C. GRCh37 (hg19) VCF-style: chr10-102750243-A-C.
Other names: c.1535A>C, p.His512Pro (NM_001163812.2); c.173A>C, p.His58Pro (NM_001163813.2, NM_001163814.2, NM_001368275.1); c.1535A>C (NM_021830.4); short protein forms H512P, H58P.
Identifiers: ClinVar variation 592530 (VCV000592530.6), dbSNP rs1564809766, ClinGen allele CA378211136.